The following is an entry in ClinVar:

NM_018089.3(ANKZF1):c.641C>G (p.Ala214Gly)

Gene: ANKZF1 (ankyrin repeat and zinc finger peptidyl tRNA hydrolase 1; plus strand). Cytogenetic location: 2q35.
Variant type: single nucleotide variant.
Coding change: c.641C>G on transcript NM_018089.3 (MANE Select); coding-DNA position 641, C replaced by G.
Protein change: p.Ala214Gly; replaces alanine 214 with glycine.
Molecular consequence: missense variant.
Genome position (GRCh38, 1-based): chr2:219,233,161, C>G. VCF-style: chr2-219233161-C-G. GRCh37 (hg19) VCF-style: chr2-220097883-C-G.
Other names: c.641C>G, p.Ala214Gly (NM_001042410.2); c.11C>G, p.Ala4Gly (NM_001282792.2); short protein forms A214G, A4G.
Identifiers: ClinVar variation 2799683 (VCV002799683.3), dbSNP rs769785188, ClinGen allele CA2120803.

ClinVar aggregate classification (germline): Uncertain significance (1 of 4 stars; one submission).

Allele frequency attached by ClinVar (database versions not stated): gnomAD exomes below 0.00001; ExAC 0.00001.

Submission:

Labcorp Genetics (formerly Invitae), Labcorp
Classification: Uncertain significance. Last evaluated: 2023-08-23. Review status: criteria provided, single submitter. Criteria: Invitae Variant Classification Sherloc (09022015). Collection method: clinical testing. Allele origin: germline.
Comment: In summary, the available evidence is currently insufficient to determine the role of this variant in disease. Therefore, it has been classified as a Variant of Uncertain Significance. Algorithms developed to predict the effect of sequence changes on RNA splicing suggest that this variant may disrupt the consensus splice site. An algorithm developed to predict the effect of missense changes on protein structure and function (PolyPhen-2) suggests that this variant is likely to be tolerated. This variant has not been reported in the literature in individuals affected with ANKZF1-related conditions. This variant is present in population databases (rs769785188, gnomAD 0.007%). This sequence change replaces alanine, which is neutral and non-polar, with glycine, which is neutral and non-polar, at codon 214 of the ANKZF1 protein (p.Ala214Gly).